The following is an entry in ClinVar:

ClinVar aggregate classification (germline): Conflicting classifications of pathogenicity. Review status: criteria provided, conflicting classifications (1 of 4 stars). 3 submissions from 3 submitters: Likely pathogenic (1); Uncertain significance (2). Last evaluated 2025-08-06.

Allele frequency attached by ClinVar (database versions not stated): gnomAD exomes below 0.00001.
gnomAD v4.1: 2 of 1,614,114 alleles (0.00012%); highest among the groups gnomAD compares: Non-Finnish European, 0.00017%; no homozygotes.

Submissions (3):

Labcorp Genetics (formerly Invitae), Labcorp
Classification: Likely pathogenic. Last evaluated: 2025-08-06. Review status: criteria provided, single submitter. Criteria: Invitae Variant Classification Sherloc (09022015). Collection method: clinical testing. Allele origin: germline.
Comment: This sequence change replaces tyrosine, which is neutral and polar, with histidine, which is basic and polar, at codon 3900 of the USH2A protein (p.Tyr3900His). This variant is not present in population databases (gnomAD no frequency). This variant has not been reported in the literature in individuals affected with USH2A-related conditions. ClinVar contains an entry for this variant (Variation ID: 3233769). Invitae Evidence Modeling of protein sequence and biophysical properties (such as structural, functional, and spatial information, amino acid conservation, physicochemical variation, residue mobility, and thermodynamic stability) indicates that this missense variant is expected to disrupt USH2A protein function with a positive predictive value of 95%. This variant disrupts the p.Tyr3900 amino acid residue in USH2A. Other variant(s) that disrupt this residue have been determined to be pathogenic (PMID: 32176120). This suggests that this residue is clinically significant, and that variants that disrupt this residue are likely to be disease-causing. In summary, the currently available evidence indicates that the variant is pathogenic, but additional data are needed to prove that conclusively. Therefore, this variant has been classified as Likely Pathogenic.

Women's Health and Genetics/Laboratory Corporation of America, LabCorp
Classification: Uncertain significance. Last evaluated: 2024-03-25. Review status: criteria provided, single submitter. Criteria: LabCorp Variant Classification Summary - May 2015. Collection method: clinical testing. Allele origin: germline.

Blueprint Genetics
Classification: Uncertain significance. Last evaluated: 2020-11-12. Review status: criteria provided, single submitter. Criteria: ACMG Guidelines, 2015. Collection method: clinical testing. Allele origin: germline.

Literature cited by the submitters: PubMed 32176120 (cited by Labcorp Genetics (formerly Invitae), Labcorp).

NM_206933.4(USH2A):c.11698T>C (p.Tyr3900His)

Gene: USH2A (usherin; minus strand). Cytogenetic location: 1q41.
Variant type: single nucleotide variant.
Coding change: c.11698T>C on transcript NM_206933.4 (MANE Select); coding-DNA position 11698, T replaced by C.
Protein change: p.Tyr3900His; replaces tyrosine 3900 with histidine.
Molecular consequence: missense variant.
Genome position (GRCh38, 1-based): chr1:215,741,388, A>G on the plus strand (T>C on the coding strand, the complement: USH2A is on the minus strand). VCF-style: chr1-215741388-A-G. GRCh37 (hg19) VCF-style: chr1-215914730-A-G.
Other names: short protein forms Y3900H.
Identifiers: ClinVar variation 3233769 (VCV003233769.4), dbSNP rs2465067467, ClinGen allele CA344833167.